The following is an entry in ClinVar:

ClinVar aggregate classification (germline): Pathogenic/Likely pathogenic. Review status: criteria provided, multiple submitters, no conflicts (2 of 4 stars). 2 submissions from 2 submitters: Pathogenic (1); Likely pathogenic (1). Last evaluated 2026-01-23.

Conditions:
Retinitis pigmentosa 49 (RP49). Identifiers: Orphanet 791, MedGen C3151059, MONDO:0013405, OMIM 613756.

Allele frequency attached by ClinVar (database versions not stated): gnomAD exomes below 0.00001 and 0.00001; gnomAD 0.00001.

Submissions (2):

Labcorp Genetics (formerly Invitae), Labcorp
Classification: Pathogenic. Last evaluated: 2026-01-23. Review status: criteria provided, single submitter. Criteria: Invitae Variant Classification Sherloc (09022015). Collection method: clinical testing. Allele origin: germline.
Comment: This sequence change creates a premature translational stop signal (p.Thr181Lysfs*17) in the CNGA1 gene. It is expected to result in an absent or disrupted protein product. Loss-of-function variants in CNGA1 are known to be pathogenic (PMID: 7479749, 25268133). This variant is present in population databases (no rsID available, gnomAD 0.009%). This variant has not been reported in the literature in individuals affected with CNGA1-related conditions. ClinVar contains an entry for this variant (Variation ID: 850709). For these reasons, this variant has been classified as Pathogenic.

Fulgent Genetics
Classification: Likely pathogenic for Retinitis pigmentosa 49. Last evaluated: 2024-01-29. Review status: criteria provided, single submitter. Criteria: ACMG Guidelines, 2015. Collection method: clinical testing. Allele origin: germline.

Literature cited by the submitters: PubMed 7479749 (cited by Labcorp Genetics (formerly Invitae), Labcorp); PubMed 25268133 (cited by Labcorp Genetics (formerly Invitae), Labcorp).

NM_001379270.1(CNGA1):c.530del (p.Thr177fs)

Genes: CNGA1 (cyclic nucleotide gated channel subunit alpha 1; minus strand), LOC101927157 (uncharacterized LOC101927157; plus strand). Cytogenetic location: 4p12.
Variant type: Deletion.
Coding change: c.530del on transcript NM_001379270.1 (MANE Select); coding-DNA position 530, one base deleted (C; older notation c.530delC).
Protein change: p.Thr177fs; shifts the reading frame from threonine 177.
Molecular consequence: frameshift variant.
Genome position (GRCh38, 1-based): chr4:47,942,056, G deleted on the plus strand (C on the coding strand, the reverse complement: CNGA1 is on the minus strand). VCF-style (leftmost placement, unchanged base first): chr4-47942055-TG-T. GRCh37 (hg19) VCF-style: chr4-47944072-TG-T.
Other names: c.530del, p.Thr177fs (NM_000087.5, NM_001142564.2); short protein forms T177fs.
Identifiers: ClinVar variation 850709 (VCV000850709.8), dbSNP rs1476546899, ClinGen allele CA551313941.